The following is an entry in ClinVar:

NM_000744.7(CHRNA4):c.844C>G (p.Leu282Val)

Gene: CHRNA4 (cholinergic receptor nicotinic alpha 4 subunit; minus strand). Cytogenetic location: 20q13.33.
Variant type: single nucleotide variant.
Coding change: c.844C>G on transcript NM_000744.7 (MANE Select); coding-DNA position 844, C replaced by G.
Protein change: p.Leu282Val; replaces leucine 282 with valine.
Molecular consequence: missense variant. On other transcripts: non-coding transcript variant (1).
Genome position (GRCh38, 1-based): chr20:63,350,567, G>C on the plus strand (C>G on the coding strand, the complement: CHRNA4 is on the minus strand). VCF-style: chr20-63350567-G-C. GRCh37 (hg19) VCF-style: chr20-61981919-G-C.
Other names: c.316C>G, p.Leu106Val (NM_001256573.2); short protein forms L106V, L282V.
Identifiers: ClinVar variation 653841 (VCV000653841.8), dbSNP rs1601475770, ClinGen allele CA409636512.

ClinVar aggregate classification (germline): Uncertain significance (1 of 4 stars; one submission).

Conditions:
Familial sleep-related hypermotor epilepsy. Also called: Autosomal Dominant Sleep-Related Hypermotor (Hyperkinetic) Epilepsy. Identifiers: Orphanet 98784, MedGen C3696898, MONDO:0000030.

Submission:

Labcorp Genetics (formerly Invitae), Labcorp
Classification: Uncertain significance. Last evaluated: 2018-10-04. Review status: criteria provided, single submitter. Criteria: Invitae Variant Classification Sherloc (09022015). Collection method: clinical testing. Allele origin: germline.
Comment: In summary, the available evidence is currently insufficient to determine the role of this variant in disease. Therefore, it has been classified as a Variant of Uncertain Significance. Algorithms developed to predict the effect of missense changes on protein structure and function are either unavailable or do not agree on the potential impact of this missense change (SIFT: "Deleterious"; PolyPhen-2: "Probably Damaging"; Align-GVGD: "Class C0"). This variant has not been reported in the literature in individuals with CHRNA4-related disease. This variant is not present in population databases (ExAC no frequency). This sequence change replaces leucine with valine at codon 282 of the CHRNA4 protein (p.Leu282Val). The leucine residue is highly conserved and there is a small physicochemical difference between leucine and valine.